The following is an entry in ClinVar:

ClinVar aggregate classification (germline): Uncertain significance (1 of 4 stars; one submission).

gnomAD v4.1: 2 of 1,613,908 alleles (0.00012%); highest among the groups gnomAD compares: East Asian, 0.0022%; no homozygotes.

Submission:

Women's Health and Genetics/Laboratory Corporation of America, LabCorp
Classification: Uncertain significance. Last evaluated: 2026-06-03. Review status: criteria provided, single submitter. Criteria: LabCorp Variant Classification Summary - May 2015. Collection method: clinical testing. Allele origin: germline.
Comment: Variant summary: IPO8 c.1709A>G (p.Tyr570Cys) results in a non-conservative amino acid change in the encoded protein sequence. Algorithms developed to predict the effect of missense changes on protein structure and function are either unavailable or do not agree on the potential impact of this missense change. The variant allele was found at a frequency of 8e-06 in 251224 control chromosomes. The available data on variant occurrences in the general population are insufficient to allow any conclusion about variant significance. To our knowledge, no occurrence of c.1709A>G in individuals affected with IPO8-related conditions and no experimental evidence demonstrating its impact on protein function have been reported. No submitters have cited clinical-significance assessments for this variant to ClinVar. Based on the evidence outlined above, the variant was classified as uncertain significance.

NM_006390.4(IPO8):c.1709A>G (p.Tyr570Cys)

Gene: IPO8 (importin 8; minus strand). Cytogenetic location: 12p11.21.
Variant type: single nucleotide variant.
Coding change: c.1709A>G on transcript NM_006390.4 (MANE Select); coding-DNA position 1709, A replaced by G.
Protein change: p.Tyr570Cys; replaces tyrosine 570 with cysteine.
Molecular consequence: missense variant.
Genome position (GRCh38, 1-based): chr12:30,662,373, T>C on the plus strand (A>G on the coding strand, the complement: IPO8 is on the minus strand). VCF-style: chr12-30662373-T-C. GRCh37 (hg19) VCF-style: chr12-30815307-T-C.
Other names: c.1094A>G, p.Tyr365Cys (NM_001190995.2); short protein forms Y365C, Y570C.
Identifiers: ClinVar variation 4887541 (VCV004887541.1).